The following is an entry in ClinVar:

NM_000455.5(STK11):c.877G>C (p.Glu293Gln)

Gene: STK11 (serine/threonine kinase 11; plus strand). Cytogenetic location: 19p13.3.
Variant type: single nucleotide variant.
Coding change: c.877G>C on transcript NM_000455.5 (MANE Select); coding-DNA position 877, G replaced by C.
Protein change: p.Glu293Gln; replaces glutamic acid 293 with glutamine.
Molecular consequence: missense variant. On other transcripts: non-coding transcript variant (1).
Genome position (GRCh38, 1-based): chr19:1,221,963, G>C. VCF-style: chr19-1221963-G-C. GRCh37 (hg19) VCF-style: chr19-1221962-G-C.
Other names: c.877G>C, p.Glu293Gln (NM_001407255.1); short protein forms E293Q.
Identifiers: ClinVar variation 2797648 (VCV002797648.5), dbSNP rs398123405, ClinGen allele CA402951196.
Genomic context (GRCh38, chr19:1,221,963, plus strand): 5'-TCAGGCCTGTGCCCAGCTGACAGGCTCCTCGCCGGCTTCTCCTCAGGGATGCTTGAGTAC[G>C]AACCGGCCAAGAGGTTCTCCATCCGGCAGATCCGGCAGCACAGGTGAGCGGCCCCTGGGG-3'
Protein context (NP_000446.1, residues 283-303): SDLLKGMLEY[Glu293Gln]PAKRFSIRQI

ClinVar aggregate classification (germline): Uncertain significance. Review status: criteria provided, multiple submitters, no conflicts (2 of 4 stars). 3 submissions from 3 submitters: Uncertain significance (3). Last evaluated 2026-01-21.

Conditions:
Hereditary cancer-predisposing syndrome. Also called: Hereditary neoplastic syndrome; Neoplastic Syndromes, Hereditary; Tumor predisposition; Hereditary Cancer Syndrome. Identifiers: Orphanet 140162, MedGen C0027672, MeSH D009386, MONDO:0015356.
Peutz-Jeghers syndrome (PJS). Also called: Peutz-Jeghers polyposis; Periorificial lentiginosis syndrome; POLYPOSIS, HAMARTOMATOUS INTESTINAL; POLYPS-AND-SPOTS SYNDROME. Identifiers: Orphanet 2869, MedGen C0031269, MeSH D010580, MONDO:0008280, OMIM 175200.

gnomAD v4.1: 1 of 1,563,188 alleles (0.000064%); highest among the groups gnomAD compares: Non-Finnish European, 0.000087%; no homozygotes.

Submissions (3):

Labcorp Genetics (formerly Invitae), Labcorp
Classification: Uncertain significance for Peutz-Jeghers syndrome. Last evaluated: 2026-01-21. Review status: criteria provided, single submitter. Criteria: Invitae Variant Classification Sherloc (09022015). Collection method: clinical testing. Allele origin: germline.
Comment: This sequence change replaces glutamic acid, which is acidic and polar, with glutamine, which is neutral and polar, at codon 293 of the STK11 protein (p.Glu293Gln). This variant is not present in population databases (gnomAD no frequency). This variant has not been reported in the literature in individuals affected with STK11-related conditions. ClinVar contains an entry for this variant (Variation ID: 2797648). Invitae Evidence Modeling of protein sequence and biophysical properties (such as structural, functional, and spatial information, amino acid conservation, physicochemical variation, residue mobility, and thermodynamic stability) has been performed for this missense variant. However, the output from this modeling did not meet the statistical confidence thresholds required to predict the impact of this variant on STK11 protein function. In summary, the available evidence is currently insufficient to determine the role of this variant in disease. Therefore, it has been classified as a Variant of Uncertain Significance.

Color Diagnostics, LLC DBA Color Health
Classification: Uncertain significance for Hereditary cancer-predisposing syndrome. Last evaluated: 2025-09-17. Review status: criteria provided, single submitter. Criteria: ACMG Guidelines, 2015. Collection method: clinical testing. Allele origin: germline.
Comment: This missense variant replaces glutamic acid with glutamine at codon 293 of the STK11 protein. Computational prediction suggests that this variant may not impact protein structure and function. To our knowledge, functional studies have not been reported for this variant. This variant has not been reported in individuals affected with STK11-related disorders in the literature. This variant has not been identified in the general population by the Genome Aggregation Database (gnomAD). The available evidence is insufficient to determine the role of this variant in disease conclusively. Therefore, this variant is classified as a Variant of Uncertain Significance.

All of Us Research Program, National Institutes of Health
Classification: Uncertain significance for Peutz-Jeghers syndrome. Last evaluated: 2023-03-09. Review status: criteria provided, single submitter. Criteria: ACMG Guidelines, 2015. Collection method: clinical testing. Allele origin: germline. Inheritance: Autosomal dominant inheritance. Observed: 1 variant allele, 1 heterozygote.
Comment: This missense variant replaces glutamic acid with glutamine at codon 293 of the STK11 protein. Computational prediction suggests that this variant may not impact protein structure and function (internally defined REVEL score threshold <= 0.5, PMID: 27666373). To our knowledge, functional studies have not been reported for this variant. This variant has not been reported in individuals affected with hereditary cancer in the literature. This variant has not been identified in the general population by the Genome Aggregation Database (gnomAD). The available evidence is insufficient to determine the role of this variant in disease conclusively. Therefore, this variant is classified as a Variant of Uncertain Significance.

This study involves interpretation of variants in research participants for the purpose of population health screening. Participant phenotype was not available at the time of variant classification. Additional details can be found in publication PMID: 35346344, PMCID: PMC8962531